The following is an entry in ClinVar:

ClinVar aggregate classification (germline): Uncertain significance (1 of 4 stars; one submission).

Conditions:
Ataxia-telangiectasia syndrome (AT). Also called: Ataxia-telangiectasia, complementation group D; ATAXIA-TELANGIECTASIA, COMPLEMENTATION GROUP A; ATAXIA-TELANGIECTASIA, FRESNO VARIANT; Ataxia-telangiectasia; Ataxia telangiectasia (A-T); Cerebello-oculocutaneous telangiectasia. Identifiers: Orphanet 100, MedGen C0004135, MONDO:0008840, OMIM 208900.

Submission:

Labcorp Genetics (formerly Invitae), Labcorp
Classification: Uncertain significance for Ataxia-telangiectasia syndrome. Last evaluated: 2024-03-20. Review status: criteria provided, single submitter. Criteria: Invitae Variant Classification Sherloc (09022015). Collection method: clinical testing. Allele origin: germline.
Comment: This sequence change replaces valine, which is neutral and non-polar, with glycine, which is neutral and non-polar, at codon 182 of the ATM protein (p.Val182Gly). This variant is not present in population databases (gnomAD no frequency). This variant has not been reported in the literature in individuals affected with ATM-related conditions. ClinVar contains an entry for this variant (Variation ID: 2033096). An algorithm developed to predict the effect of missense changes on protein structure and function (PolyPhen-2) suggests that this variant is likely to be tolerated. In summary, the available evidence is currently insufficient to determine the role of this variant in disease. Therefore, it has been classified as a Variant of Uncertain Significance.

NM_000051.4(ATM):c.545T>G (p.Val182Gly)

Gene: ATM (ATM serine/threonine kinase; plus strand). Cytogenetic location: 11q22.3.
Variant type: single nucleotide variant.
Coding change: c.545T>G on transcript NM_000051.4 (MANE Select); coding-DNA position 545, T replaced by G.
Protein change: p.Val182Gly; replaces valine 182 with glycine.
Molecular consequence: missense variant.
Genome position (GRCh38, 1-based): chr11:108,244,001, T>G. VCF-style: chr11-108244001-T-G. GRCh37 (hg19) VCF-style: chr11-108114728-T-G.
Other names: c.545T>G, p.Val182Gly (NM_001351834.2); short protein forms V182G.
Identifiers: ClinVar variation 2033096 (VCV002033096.4), dbSNP rs2135223305, ClinGen allele CA382527678.
Genomic context (GRCh38, chr11:108,244,001, plus strand): 5'-TTTTTTTTTAAGAATTGTTCTCTGTGTACTTCAGGCTCTATCTGAAACCTTCACAAGATG[T>G]TCATAGAGTTTTAGTGGCTAGAATAATTCATGCTGTTACCAAAGGATGCTGTTCTCAGAC-3'
Protein context (NP_000042.3, residues 172-192): FRLYLKPSQD[Val182Gly]HRVLVARIIH